The following is an entry in ClinVar:

ClinVar aggregate classification (germline): Likely benign. Review status: criteria provided, multiple submitters, no conflicts (2 of 4 stars). 2 submissions from 2 submitters: Likely benign (2). Last evaluated 2024-03-20.

Conditions:
Neurodegeneration with brain iron accumulation 5 (NBIA5). Also called: STATIC ENCEPHALOPATHY OF CHILDHOOD WITH NEURODEGENERATION IN ADULTHOOD; Beta-propeller protein-associated neurodegeneration. Identifiers: Orphanet 329284, MedGen C3550973, MONDO:0010476, OMIM 300894.

Allele frequency attached by ClinVar (database versions not stated): gnomAD 0.00001; TOPMed 0.00001; ExAC 0.00003; ESP Exome Variant Server 0.00009.
gnomAD v4.1: 22 of 1,204,971 alleles (0.0018%); highest among the groups gnomAD compares: Non-Finnish European, 0.0021%; no homozygotes.

Submissions (2):

Labcorp Genetics (formerly Invitae), Labcorp
Classification: Likely benign for Neurodegeneration with brain iron accumulation 5. Last evaluated: 2024-03-20. Review status: criteria provided, single submitter. Criteria: Invitae Variant Classification Sherloc (09022015). Collection method: clinical testing. Allele origin: germline.

GeneDx
Classification: Likely benign. Last evaluated: 2016-07-05. Review status: criteria provided, single submitter. Criteria: GeneDx Variant Classification (06012015). Collection method: clinical testing. Allele origin: germline. Affected: yes.
Comment: This variant is considered likely benign or benign based on one or more of the following criteria: it is a conservative change, it occurs at a poorly conserved position in the protein, it is predicted to be benign by multiple in silico algorithms, and/or has population frequency not consistent with disease.

NM_001029896.2(WDR45):c.341+18C>T

Gene: WDR45 (WD repeat domain 45; minus strand). Cytogenetic location: Xp11.23.
Variant type: single nucleotide variant.
Coding change: c.341+18C>T on transcript NM_001029896.2 (MANE Select); 18 bases into the intron after coding-DNA position 341, C replaced by T.
Molecular consequence: intron variant.
Genome position (GRCh38, 1-based): chrX:49,076,627, G>A on the plus strand (C>T on the coding strand, the complement: WDR45 is on the minus strand). VCF-style: chrX-49076627-G-A. GRCh37 (hg19) VCF-style: chrX-48934286-G-A.
Other names: c.344+18C>T (NM_007075.4).
Identifiers: ClinVar variation 387153 (VCV000387153.5), dbSNP rs372370133, ClinGen allele CA10408563.
Genomic context (GRCh38, chrX:49,076,627, plus strand): 5'-GGGATGCCCAGGGAGGACTATCCCTCTCACTTACTGTGGGGACCTCCTACCTCCCACCCC[G>A]GTCCTCCTCAGGCTCACTTGTCATGGCGCATGCGCACAGAAAGCACTGGCTTGGTGAAGG-3'